The following is an entry in ClinVar:

ClinVar aggregate classification (germline): Uncertain significance (1 of 4 stars; one submission).

Allele frequency attached by ClinVar (database versions not stated): gnomAD exomes below 0.00001; gnomAD 0.00001.
gnomAD v4.1: 4 of 1,610,478 alleles (0.00025%); highest among the groups gnomAD compares: Non-Finnish European, 0.00025%; no homozygotes.

Submission:

Ambry Genetics
Classification: Uncertain significance. Last evaluated: 2023-06-14. Review status: criteria provided, single submitter. Criteria: Ambry Variant Classification Scheme 2023. Collection method: clinical testing. Allele origin: germline.
Comment: The p.L126V variant (also known as c.376C>G), located in coding exon 4 of the KIF1B gene, results from a C to G substitution at nucleotide position 376. The leucine at codon 126 is replaced by valine, an amino acid with highly similar properties. This amino acid position is conserved. In addition, this alteration is predicted to be deleterious by in silico analysis. Since supporting evidence is limited at this time, the clinical significance of this alteration remains unclear.

NM_001365951.3(KIF1B):c.376C>G (p.Leu126Val)

Genes: KIF1B (kinesin family member 1B; plus strand), LOC129388447 (MPRA-validated peak65 silencer; plus strand). Cytogenetic location: 1p36.22.
Variant type: single nucleotide variant.
Coding change: c.376C>G on transcript NM_001365951.3 (MANE Select); coding-DNA position 376, C replaced by G.
Protein change: p.Leu126Val; replaces leucine 126 with valine.
Molecular consequence: missense variant.
Genome position (GRCh38, 1-based): chr1:10,261,917, C>G. VCF-style: chr1-10261917-C-G. GRCh37 (hg19) VCF-style: chr1-10321975-C-G.
Other names: c.376C>G, p.Leu126Val (NM_001365952.1, NM_001365953.1, NM_015074.3 and 1 more transcripts); short protein forms L126V.
Identifiers: ClinVar variation 2563665 (VCV002563665.2), dbSNP rs1648169385, ClinGen allele CA338326925.
Genomic context (GRCh38, chr1:10,261,917, plus strand): 5'-ACTCCTCTCATTTGTGCTCTTCATGCCTCTCTCATTCTACTTCCCTAGTTATGTGAAGAA[C>G]TTTTTGAGAAAATCAATGACAACTGTAATGAAGAAATGTCTTACTCTGTAGAGGTGAGTA-3'
Protein context (NP_001352880.1, residues 116-136): AGIIPQLCEE[Leu126Val]FEKINDNCNE